The following is an entry in ClinVar:

ClinVar aggregate classification (germline): Conflicting classifications of pathogenicity. Review status: criteria provided, conflicting classifications (1 of 4 stars). 4 submissions from 4 submitters: Uncertain significance (3); Likely benign (1). Last evaluated 2026-01-30.

Conditions:
Inborn genetic diseases. Identifiers: MedGen C0950123, MeSH D030342.
Congenital myotonia, autosomal dominant form (THD). Also called: THOMSEN DISEASE; Myotonia congenita autosomal dominant. Identifiers: Orphanet 614, MedGen C2936781, MONDO:0008055, OMIM 160800.
Congenital myotonia, autosomal recessive form. Also called: Becker Generalized Myotonia; BECKER DISEASE; myotonia congenita, autosomal recessive. Identifiers: Orphanet 614, MedGen C0751360, MONDO:0009715, OMIM 255700.

Allele frequency attached by ClinVar (database versions not stated): ExAC 0.00004; gnomAD exomes 0.00005; gnomAD 0.00010 and 0.00013; TOPMed 0.00014; 1000 Genomes Project 30x 0.00016; 1000 Genomes Project 0.00020; ESP Exome Variant Server 0.00031.
gnomAD v4.1: 101 of 1,612,874 alleles (0.0063%); highest among the groups gnomAD compares: African/African-American, 0.079%; 2 homozygotes.

Submissions (4):

Labcorp Genetics (formerly Invitae), Labcorp
Classification: Likely benign for Congenital myotonia, autosomal recessive form; Congenital myotonia, autosomal dominant form. Last evaluated: 2026-01-30. Review status: criteria provided, single submitter. Criteria: Invitae Variant Classification Sherloc (09022015). Collection method: clinical testing. Allele origin: germline.

Ambry Genetics
Classification: Uncertain significance for Inborn genetic diseases. Last evaluated: 2025-06-07. Review status: criteria provided, single submitter. Criteria: Ambry Variant Classification Scheme 2023. Collection method: clinical testing. Allele origin: germline.

Revvity Omics, Revvity
Classification: Uncertain significance. Last evaluated: 2023-02-14. Review status: criteria provided, single submitter. Criteria: ACMG Guidelines, 2015. Collection method: clinical testing. Allele origin: germline.

Genetics and Molecular Pathology, SA Pathology
Classification: Uncertain significance for Congenital myotonia, autosomal dominant form. Last evaluated: 2019-07-04. Review status: criteria provided, single submitter. Criteria: ACMG Guidelines, 2015. Collection method: clinical testing. Allele origin: germline.

NM_000083.3(CLCN1):c.2258A>C (p.Gln753Pro)

Gene: CLCN1 (chloride voltage-gated channel 1; plus strand). Cytogenetic location: 7q34.
Variant type: single nucleotide variant.
Coding change: c.2258A>C on transcript NM_000083.3 (MANE Select); coding-DNA position 2258, A replaced by C.
Protein change: p.Gln753Pro; replaces glutamine 753 with proline.
Molecular consequence: missense variant. On other transcripts: non-coding transcript variant (1).
Genome position (GRCh38, 1-based): chr7:143,346,225, A>C. VCF-style: chr7-143346225-A-C. GRCh37 (hg19) VCF-style: chr7-143043318-A-C.
Other names: short protein forms Q753P.
Identifiers: ClinVar variation 531751 (VCV000531751.19), dbSNP rs112282456, ClinGen allele CA4537603.
Genomic context (GRCh38, chr7:143,346,225, plus strand): 5'-CCTCTACTACTGCCCCTCTGTCCCCAGAAGAGCCCAATGGGCCTCTGCCTGGCCACAAAC[A>C]GCAGCCGGAAGCACCAGAGCCTGCAGGTGACGCTCTTCCCTCATGCACCCCAACTCACCC-3'
Protein context (NP_000074.3, residues 743-763): EPNGPLPGHK[Gln753Pro]QPEAPEPAGQ